The following is an entry in ClinVar:

ClinVar aggregate classification (germline): Benign/Likely benign. Review status: criteria provided, multiple submitters, no conflicts (2 of 4 stars). 2 submissions from 2 submitters: Benign (1); Likely benign (1). Last evaluated 2025-03-04.

Submissions (2):

Center for Genomic Medicine, Rigshospitalet, Copenhagen University Hospital
Classification: Benign. Last evaluated: 2025-03-04. Review status: criteria provided, single submitter. Criteria: ACMG Guidelines, 2015. Collection method: clinical testing. Allele origin: germline.

GeneDx
Classification: Likely benign. Last evaluated: 2020-07-07. Review status: criteria provided, single submitter. Criteria: GeneDx Variant Classification Process June 2021. Collection method: clinical testing. Allele origin: germline. Affected: yes.
Comment: See Variant Classification Assertion Criteria.

NM_004069.6(AP2S1):c.3+41dup

Gene: AP2S1 (adaptor related protein complex 2 subunit sigma 1; minus strand). Cytogenetic location: 19q13.32.
Variant type: Duplication.
Coding change: c.3+41dup on transcript NM_004069.6 (MANE Select); 41 bases into the intron after coding-DNA position 3, one base duplicated (G; older notation c.3+41dupG).
Molecular consequence: intron variant. On other transcripts: 5 prime UTR variant (1).
Genome position (GRCh38, 1-based): chr19:46,850,723, C duplicated on the plus strand (G on the coding strand, the reverse complement: AP2S1 is on the minus strand); the first of 7 consecutive C bases (chr19:46,850,723-46,850,729); duplicating any one gives the same sequence. VCF-style (leftmost placement, unchanged base first): chr19-46850722-G-GC. GRCh37 (hg19) VCF-style: chr19-47353979-G-GC.
Other names: c.-59dup (NM_001301081.3); c.3+41dup (NM_021575.5, NM_001301078.3); c.3+41dupG (NM_004069.6).
Identifiers: ClinVar variation 2499292 (VCV002499292.3), dbSNP rs377188979, ClinGen allele CA9533055.